The following is an entry in ClinVar:

NC_000016.9:g.(?_89818536)_(89846375_?)del

Gene: FANCA (FA complementation group A; minus strand). Cytogenetic location: 16q24.3.
Variant type: Deletion.
Identifiers: ClinVar variation 1460401 (VCV001460401.6).

ClinVar aggregate classification (germline): Pathogenic (1 of 4 stars; one submission).

Conditions:
Fanconi anemia (FA). Also called: Fanconi's anemia. Identifiers: Orphanet 84, MedGen C0015625, MeSH D005199, MONDO:0019391.

Submission:

Labcorp Genetics (formerly Invitae), Labcorp
Classification: Pathogenic for Fanconi anemia. Last evaluated: 2021-01-31. Review status: criteria provided, single submitter. Criteria: Invitae Variant Classification Sherloc (09022015). Collection method: clinical testing. Allele origin: germline.
Comment: The region of the FANCA gene that includes exon(s) 21-29 has been determined to be clinically significant (PMID: 21273304, 29269525). Therefore, deletions that encompass that region are likely to disrupt protein function and cause disease. This variant has not been reported in the literature in individuals with FANCA-related conditions. This variant is a gross deletion of the genomic region encompassing exon(s) 18-31 of the FANCA gene. This variant would be expected to be in-frame, preserving the integrity of the reading frame. For these reasons, this variant has been classified as Pathogenic.

Literature cited by the submitters: PubMed 21273304; PubMed 29269525.